The following is an entry in ClinVar:

ClinVar aggregate classification (germline): Benign/Likely benign. Review status: criteria provided, multiple submitters, no conflicts (2 of 4 stars). 6 submissions from 6 submitters: Benign (1); Likely benign (5). Last evaluated 2026-02-02.

Conditions:
GABRB2-related disorder. Also called: GABRB2-related condition.
Inborn genetic diseases. Identifiers: MedGen C0950123, MeSH D030342.
Intellectual disability. Also called: intellectual disabilities; Intellectual developmental disorder; Intellectual functioning disability. Identifiers: MedGen C3714756, MeSH D008607, MONDO:0001071, HP:0001249.

Allele frequency attached by ClinVar (database versions not stated): gnomAD 0.00038; TOPMed 0.00053; ExAC 0.00055; ESP Exome Variant Server 0.00062.
gnomAD v4.1: 1,454 of 1,614,032 alleles (0.09%); highest among the groups gnomAD compares: Non-Finnish European, 0.12%; 1 homozygote.

Submissions (6):

Labcorp Genetics (formerly Invitae), Labcorp
Classification: Likely benign for Intellectual disability. Last evaluated: 2026-02-02. Review status: criteria provided, single submitter. Criteria: Invitae Variant Classification Sherloc (09022015). Collection method: clinical testing. Allele origin: germline.

PreventionGenetics, part of Exact Sciences
Classification: Likely benign for GABRB2-related condition. Last evaluated: 2024-12-12. Review status: criteria provided, single submitter. Criteria: ACMG Guidelines, 2015. Collection method: clinical testing. Allele origin: germline.
Comment: This variant is classified as likely benign based on ACMG/AMP sequence variant interpretation guidelines (Richards et al. 2015 PMID: 25741868, with internal and published modifications).

Blueprint Genetics
Classification: Likely benign. Last evaluated: 2024-11-19. Review status: criteria provided, single submitter. Criteria: ACMG Guidelines, 2015. Collection method: clinical testing. Allele origin: germline.

CeGaT Center for Human Genetics Tuebingen
Classification: Likely benign. Last evaluated: 2023-11-01. Review status: criteria provided, single submitter. Criteria: CeGaT Center For Human Genetics Tuebingen Variant Classification Criteria Version 2. Collection method: clinical testing. Allele origin: germline. Affected: yes. Observed: 1 variant allele.
Comment: GABRB2: BS2

Ambry Genetics
Classification: Likely benign for Inborn genetic diseases. Last evaluated: 2021-10-22. Review status: criteria provided, single submitter. Criteria: Ambry Variant Classification Scheme 2023. Collection method: clinical testing. Allele origin: germline.

GeneDx
Classification: Benign. Last evaluated: 2021-03-25. Review status: criteria provided, single submitter. Criteria: GeneDx Variant Classification Process June 2021. Collection method: clinical testing. Allele origin: germline. Affected: yes.

NM_001371727.1(GABRB2):c.1349G>A (p.Ser450Asn)

Gene: GABRB2 (gamma-aminobutyric acid type A receptor subunit beta2; minus strand). Cytogenetic location: 5q34.
Variant type: single nucleotide variant.
Coding change: c.1349G>A on transcript NM_001371727.1 (MANE Select); coding-DNA position 1349, G replaced by A.
Protein change: p.Ser450Asn; replaces serine 450 with asparagine.
Molecular consequence: missense variant.
Genome position (GRCh38, 1-based): chr5:161,294,271, C>T on the plus strand (G>A on the coding strand, the complement: GABRB2 is on the minus strand). VCF-style: chr5-161294271-C-T. GRCh37 (hg19) VCF-style: chr5-160721278-C-T.
Other names: c.1235G>A, p.Ser412Asn (NM_000813.3); c.1349G>A, p.Ser450Asn (NM_021911.3); short protein forms S450N, S412N.
Identifiers: ClinVar variation 383240 (VCV000383240.38), dbSNP rs61735410, ClinGen allele CA3543334.
Genomic context (GRCh38, chr5:161,294,271, plus strand): 5'-CGTCTCCTCAGGCGACTTTTCTTTTGCGCCACATGTCGTTCCAGAGCATTTCGGCCAAAA[C>T]TATGCCTGGGCAACCCAGCTTTCCGATACTGGATGCTGGAGGCATCATAGGCTAGCATTG-3'
Protein context (NP_001358656.1, residues 440-460): QYRKAGLPRH[Ser450Asn]FGRNALERHV